The following is an entry in ClinVar:

NM_000138.5(FBN1):c.247+5G>C

Gene: FBN1 (fibrillin 1; minus strand). Cytogenetic location: 15q21.1.
Variant type: single nucleotide variant.
Coding change: c.247+5G>C on transcript NM_000138.5 (MANE Select); 5 bases into the intron after coding-DNA position 247, G replaced by C.
Molecular consequence: intron variant.
Genome position (GRCh38, 1-based): chr15:48,613,005, C>G on the plus strand (G>C on the coding strand, the complement: FBN1 is on the minus strand). VCF-style: chr15-48613005-C-G. GRCh37 (hg19) VCF-style: chr15-48905202-C-G.
Identifiers: ClinVar variation 2110517 (VCV002110517.4), dbSNP rs2044668542, ClinGen allele CA2580089574.
Genomic context (GRCh38, chr15:48,613,005, plus strand): 5'-GCTCCCCATGCAACCAACACAACAAAAGAAGGACATGCAGAATGACAAGTTTTCTATTTA[C>G]TTACGGACAATACACTGATTTCCGCCAGGTAAGGTTTTCCATCCAGGGCAACAGTAAGCA-3'

ClinVar aggregate classification (germline): Uncertain significance (1 of 4 stars; one submission).

Conditions:
Familial thoracic aortic aneurysm and aortic dissection (TAAD). Also called: Thoracic aortic aneurysms and dissections. Identifiers: Orphanet 91387, MedGen C4707243, MONDO:0019625.
Marfan syndrome (MFS). Also called: MARFAN SYNDROME, TYPE I; Marfan syndrome type 1; Marfan's syndrome; Marfan syndrome, classic; FBN1-Related Marfan Syndrome. Identifiers: Orphanet 284963, Orphanet 558, MedGen C0024796, MONDO:0007947, OMIM 154700.

Submission:

Labcorp Genetics (formerly Invitae), Labcorp
Classification: Uncertain significance for Marfan syndrome; Familial thoracic aortic aneurysm and aortic dissection. Last evaluated: 2022-03-12. Review status: criteria provided, single submitter. Criteria: Invitae Variant Classification Sherloc (09022015). Collection method: clinical testing. Allele origin: germline.
Comment: This variant has not been reported in the literature in individuals affected with FBN1-related conditions. In summary, the available evidence is currently insufficient to determine the role of this variant in disease. Therefore, it has been classified as a Variant of Uncertain Significance. Variants that disrupt the consensus splice site are a relatively common cause of aberrant splicing (PMID: 17576681, 9536098). Algorithms developed to predict the effect of sequence changes on RNA splicing suggest that this variant may disrupt the consensus splice site. This variant is not present in population databases (gnomAD no frequency). This sequence change falls in intron 3 of the FBN1 gene. It does not directly change the encoded amino acid sequence of the FBN1 protein. It affects a nucleotide within the consensus splice site.

Literature cited by the submitters: PubMed 17576681; PubMed 9536098.